The following is an entry in ClinVar:

NM_001165963.4(SCN1A):c.1216_1217insGC (p.Val406fs)

Gene: SCN1A (sodium voltage-gated channel alpha subunit 1; minus strand). Cytogenetic location: 2q24.3.
Variant type: Insertion.
Coding change: c.1216_1217insGC on transcript NM_001165963.4 (MANE Select); coding-DNA positions 1216 to 1217, GC inserted.
Protein change: p.Val406fs; shifts the reading frame from valine 406.
Molecular consequence: frameshift variant. On other transcripts: 5 prime UTR variant (1), non-coding transcript variant (1).
Genome position: GRCh38 VCF-style: chr2-166046930-A-AGC. GRCh37 (hg19) VCF-style: chr2-166903440-A-AGC.
Other names: c.1216_1217insGC, p.Val406fs (NM_001165964.3, NM_001202435.3, NM_001353948.2 and 10 more transcripts); c.-1210_-1209insGC (NM_001353961.2); short protein forms V406fs.
Identifiers: ClinVar variation 2762901 (VCV002762901.3), dbSNP rs2468182081, ClinGen allele CA2697551262.

ClinVar aggregate classification (germline): Pathogenic (1 of 4 stars; one submission).

Conditions:
Early-infantile DEE. Also called: Ohtahara syndrome; Early infantile epileptic encephalopathy; Early infantile epileptic encephalopathy with suppression bursts. Identifiers: Orphanet 1934, MedGen C0393706, MONDO:0800491.

Submission:

Labcorp Genetics (formerly Invitae), Labcorp
Classification: Pathogenic for Early-infantile DEE. Last evaluated: 2023-09-23. Review status: criteria provided, single submitter. Criteria: Invitae Variant Classification Sherloc (09022015). Collection method: clinical testing. Allele origin: germline.
Comment: This sequence change creates a premature translational stop signal (p.Val406Glyfs*10) in the SCN1A gene. It is expected to result in an absent or disrupted protein product. Loss-of-function variants in SCN1A are known to be pathogenic (PMID: 17347258, 18930999). This variant is not present in population databases (gnomAD no frequency). This variant has not been reported in the literature in individuals affected with SCN1A-related conditions. For these reasons, this variant has been classified as Pathogenic.

Literature cited by the submitters: PubMed 17347258; PubMed 18930999.